The following is an entry in ClinVar:

ClinVar aggregate classification (germline): Likely benign. Review status: criteria provided, multiple submitters, no conflicts (2 of 4 stars). 2 submissions from 2 submitters: Likely benign (2). Last evaluated 2025-09-13.

Allele frequency attached by ClinVar (database versions not stated): gnomAD 0.00001; TOPMed 0.00001.
gnomAD v4.1: 5 of 1,555,622 alleles (0.00032%); highest among the groups gnomAD compares: South Asian, 0.0012%; no homozygotes.

Submissions (2):

Labcorp Genetics (formerly Invitae), Labcorp
Classification: Likely benign. Last evaluated: 2025-09-13. Review status: criteria provided, single submitter. Criteria: Invitae Variant Classification Sherloc (09022015). Collection method: clinical testing. Allele origin: germline.

Women's Health and Genetics/Laboratory Corporation of America, LabCorp
Classification: Likely benign. Last evaluated: 2025-01-09. Review status: criteria provided, single submitter. Criteria: LabCorp Variant Classification Summary - May 2015. Collection method: clinical testing. Allele origin: germline.
Comment: Variant summary: LZTR1 c.1260+11T>A alters a nucleotide located at a position not widely known to affect splicing. Consensus agreement among computation tools predict no significant impact on normal splicing. However, these predictions have yet to be confirmed by functional studies. The frequency data for this variant in gnomAD is considered unreliable, as metrics indicate poor data quality at this position. To our knowledge, no occurrence of c.1260+11T>A in individuals affected with Noonan Syndrome And Related Conditions and no experimental evidence demonstrating its impact on protein function have been reported. ClinVar contains an entry for this variant (Variation ID: 933186). Based on the evidence outlined above, the variant was classified as likely benign.

NM_006767.4(LZTR1):c.1260+11T>A

Gene: LZTR1 (leucine zipper like post translational regulator 1; plus strand). Cytogenetic location: 22q11.21.
Variant type: single nucleotide variant.
Coding change: c.1260+11T>A on transcript NM_006767.4 (MANE Select); 11 bases into the intron after coding-DNA position 1260, T replaced by A.
Molecular consequence: intron variant.
Genome position (GRCh38, 1-based): chr22:20,992,915, T>A. VCF-style: chr22-20992915-T-A. GRCh37 (hg19) VCF-style: chr22-21347204-T-A.
Identifiers: ClinVar variation 933186 (VCV000933186.6), dbSNP rs1298556569, ClinGen allele CA638549897.